The following is an entry in ClinVar:

NM_000368.5(TSC1):c.556G>T (p.Ala186Ser)

Gene: TSC1 (TSC complex subunit 1; minus strand). Cytogenetic location: 9q34.13.
Variant type: single nucleotide variant.
Coding change: c.556G>T on transcript NM_000368.5 (MANE Select); coding-DNA position 556, G replaced by T.
Protein change: p.Ala186Ser; replaces alanine 186 with serine.
Molecular consequence: missense variant.
Genome position (GRCh38, 1-based): chr9:132,921,926, C>A on the plus strand (G>T on the coding strand, the complement: TSC1 is on the minus strand). VCF-style: chr9-132921926-C-A. GRCh37 (hg19) VCF-style: chr9-135797313-C-A.
Other names: c.556G>T, p.Ala186Ser (NM_001162426.2); c.403G>T, p.Ala135Ser (NM_001162427.2); c.193G>T, p.Ala65Ser (NM_001362177.2); short protein forms A186S, A65S, A135S.
Identifiers: ClinVar variation 947318 (VCV000947318.13), dbSNP rs1279777367, ClinGen allele CA375372738.

ClinVar aggregate classification (germline): Uncertain significance. Review status: criteria provided, multiple submitters, no conflicts (2 of 4 stars). 2 submissions from 2 submitters: Uncertain significance (2). Last evaluated 2025-12-10.

Conditions:
Hereditary cancer-predisposing syndrome. Also called: Neoplastic Syndromes, Hereditary; Hereditary neoplastic syndrome; Hereditary Cancer Syndrome; Tumor predisposition. Identifiers: Orphanet 140162, MedGen C0027672, MeSH D009386, MONDO:0015356.
Tuberous sclerosis 1 (TSC1). Identifiers: Orphanet 805, MedGen C1854465, MONDO:0008612, OMIM 191100.

gnomAD v4.1: 5 of 1,614,124 alleles (0.00031%); highest among the groups gnomAD compares: Non-Finnish European, 0.00042%; no homozygotes.

Submissions (2):

Ambry Genetics
Classification: Uncertain significance for Hereditary cancer-predisposing syndrome. Last evaluated: 2025-12-10. Review status: criteria provided, single submitter. Criteria: Ambry Variant Classification Scheme 2023. Collection method: clinical testing. Allele origin: germline.
Comment: The p.A186S variant (also known as c.556G>T), located in coding exon 5 of the TSC1 gene, results from a G to T substitution at nucleotide position 556. The alanine at codon 186 is replaced by serine, an amino acid with similar properties. This amino acid position is conserved. In addition, the in silico prediction for this alteration is inconclusive. Since supporting evidence is limited at this time, the clinical significance of this alteration remains unclear.

Labcorp Genetics (formerly Invitae), Labcorp
Classification: Uncertain significance for Tuberous sclerosis 1. Last evaluated: 2024-08-27. Review status: criteria provided, single submitter. Criteria: Invitae Variant Classification Sherloc (09022015). Collection method: clinical testing. Allele origin: germline.
Comment: This sequence change replaces alanine, which is neutral and non-polar, with serine, which is neutral and polar, at codon 186 of the TSC1 protein (p.Ala186Ser). This variant is not present in population databases (gnomAD no frequency). This variant has not been reported in the literature in individuals affected with TSC1-related conditions. ClinVar contains an entry for this variant (Variation ID: 947318). Invitae Evidence Modeling of protein sequence and biophysical properties (such as structural, functional, and spatial information, amino acid conservation, physicochemical variation, residue mobility, and thermodynamic stability) indicates that this missense variant is not expected to disrupt TSC1 protein function with a negative predictive value of 95%. In summary, the available evidence is currently insufficient to determine the role of this variant in disease. Therefore, it has been classified as a Variant of Uncertain Significance.